The following is an entry in ClinVar:

ClinVar aggregate classification (germline): Uncertain significance (1 of 4 stars; one submission).

Submission:

CeGaT Center for Human Genetics Tuebingen
Classification: Uncertain significance. Last evaluated: 2026-04-01. Review status: criteria provided, single submitter. Criteria: CeGaT Center For Human Genetics Tuebingen Variant Classification Criteria Version 2. Collection method: clinical testing. Allele origin: germline. Affected: yes. Observed: 1 variant allele.
Comment: JARID2: PM2, PP3

NM_004973.4(JARID2):c.3577G>T (p.Val1193Phe)

Gene: JARID2 (jumonji and AT-rich interaction domain containing 2; plus strand). Cytogenetic location: 6p22.3.
Variant type: single nucleotide variant.
Coding change: c.3577G>T on transcript NM_004973.4 (MANE Select); coding-DNA position 3577, G replaced by T.
Protein change: p.Val1193Phe; replaces valine 1193 with phenylalanine.
Molecular consequence: missense variant.
Genome position (GRCh38, 1-based): chr6:15,520,087, G>T. VCF-style: chr6-15520087-G-T. GRCh37 (hg19) VCF-style: chr6-15520318-G-T.
Other names: c.3061G>T, p.Val1021Phe (NM_001267040.1); short protein forms V1021F, V1193F.
Identifiers: ClinVar variation 4874613 (VCV004874613.2).